The following is an entry in ClinVar:

NM_004364.5(CEBPA):c.1009A>T (p.Thr337Ser)

Gene: CEBPA (CCAAT enhancer binding protein alpha; minus strand). Cytogenetic location: 19q13.11.
Variant type: single nucleotide variant.
Coding change: c.1009A>T on transcript NM_004364.5 (MANE Select); coding-DNA position 1009, A replaced by T.
Protein change: p.Thr337Ser; replaces threonine 337 with serine.
Molecular consequence: missense variant.
Genome position (GRCh38, 1-based): chr19:33,301,406, T>A on the plus strand (A>T on the coding strand, the complement: CEBPA is on the minus strand). VCF-style: chr19-33301406-T-A. GRCh37 (hg19) VCF-style: chr19-33792312-T-A.
Other names: c.652A>T, p.Thr218Ser (NM_001285829.2); c.1114A>T, p.Thr372Ser (NM_001287424.2); c.967A>T, p.Thr323Ser (NM_001287435.2); short protein forms T337S, T323S, T372S, T218S.
Identifiers: ClinVar variation 133885 (VCV000133885.21), dbSNP rs587778192, ClinGen allele CA158088.

ClinVar aggregate classification (germline): Conflicting classifications of pathogenicity. Review status: criteria provided, conflicting classifications (1 of 4 stars). 7 submissions from 7 submitters: Uncertain significance (5); Likely benign (1). 1 of the submissions does not count toward it. Last evaluated 2025-02-05.

Conditions:
Inborn genetic diseases. Identifiers: MedGen C0950123, MeSH D030342.
Acute myeloid leukemia (AML). Also called: Acute myeloid leukemia, adult; AML adult; Acute non-lymphocytic leukemia; Acute granulocytic leukemia; Leukemia, acute myeloid, somatic; Leukemia, acute myelogenous, somatic. Identifiers: Orphanet 519, MedGen C0023467, MeSH D015470, MONDO:0018874, OMIM 601626, HP:0004808. Disease mechanism: Constitutively activated FLT3.

Allele frequency attached by ClinVar (database versions not stated): ExAC 0.00001; gnomAD exomes 0.00002 and 0.00015; TOPMed 0.00002; gnomAD 0.00003.
gnomAD v4.1: 214 of 1,611,106 alleles (0.013%); highest among the groups gnomAD compares: Non-Finnish European, 0.018%; no homozygotes.

Submissions (7):

Ambry Genetics
Classification: Likely benign for Inborn genetic diseases. Last evaluated: 2025-02-05. Review status: criteria provided, single submitter. Criteria: Ambry Variant Classification Scheme 2023. Collection method: clinical testing. Allele origin: germline.

Labcorp Genetics (formerly Invitae), Labcorp
Classification: Uncertain significance for Acute myeloid leukemia. Last evaluated: 2024-12-02. Review status: criteria provided, single submitter. Criteria: Invitae Variant Classification Sherloc (09022015). Collection method: clinical testing. Allele origin: germline.
Comment: This sequence change replaces threonine, which is neutral and polar, with serine, which is neutral and polar, at codon 337 of the CEBPA protein (p.Thr337Ser). This variant is present in population databases (rs587778192, gnomAD 0.005%). This missense change has been observed in individual(s) with acute myeloid leukemia, but the germline nature of this variant is unclear (PMID: 28250006). ClinVar contains an entry for this variant (Variation ID: 133885). Invitae Evidence Modeling of protein sequence and biophysical properties (such as structural, functional, and spatial information, amino acid conservation, physicochemical variation, residue mobility, and thermodynamic stability) indicates that this missense variant is not expected to disrupt CEBPA protein function with a negative predictive value of 80%. In summary, the available evidence is currently insufficient to determine the role of this variant in disease. Therefore, it has been classified as a Variant of Uncertain Significance.

GeneDx
Classification: Uncertain significance. Last evaluated: 2024-06-27. Review status: criteria provided, single submitter. Criteria: GeneDx Variant Classification Process June 2021. Collection method: clinical testing. Allele origin: germline. Affected: yes.
Comment: In silico analysis supports that this missense variant has a deleterious effect on protein structure/function; Has not been previously published as pathogenic or benign to our knowledge; This variant is associated with the following publications: (PMID: 31751678, 24728327, 28250006, 21455213)

St. Jude Molecular Pathology, St. Jude Children's Research Hospital
Classification: Uncertain significance for Acute myeloid leukemia. Last evaluated: 2023-12-18. Review status: criteria provided, single submitter. Criteria: St. Jude Assertion Criteria 2020. Collection method: clinical testing. Allele origin: germline.

Baylor Genetics
Classification: Uncertain significance for Acute myeloid leukemia. Last evaluated: 2023-09-26. Review status: criteria provided, single submitter. Criteria: ACMG Guidelines, 2015. Collection method: clinical testing. Allele origin: unknown.

Genetic Services Laboratory, University of Chicago
Classification: Uncertain significance. Last evaluated: 2022-01-03. Review status: criteria provided, single submitter. Criteria: ACMG Guidelines, 2015. Collection method: clinical testing. Allele origin: germline. Affected: no.
Comment: DNA sequence analysis of the CEBPA gene demonstrated a sequence change, c.1009A>T, in exon 1 that results in an amino acid change, p.Thr337Ser. This sequence change has been described in the gnomAD database with a frequency of 0.005% in the non-Finnish European subpopulation (dbSNP rs587778192). The p.Thr337Ser change affects a highly conserved amino acid residue located in a domain of the CEBPA protein that is known to be functional. The p.Thr337Ser substitution appears to be benign using several in-silico pathogenicity prediction tools (SIFT, PolyPhen2, Align GVGD, REVEL). This sequence change does not appear to have been previously described in individuals with CEBPA-related disorders. Due to insufficient evidences and the lack of functional studies, the clinical significance of the p.Thr337Ser change remains unknown at this time.

ITMI
No classification provided. Condition: AllHighlyPenetrant. Last evaluated: 2013-09-19. Review status: no classification provided. Collection method: reference population. Allele origin: germline. Not counted in ClinVar's aggregate classification.
Comment: Please see associated publication for description of ethnicities

Literature cited by the submitters: PubMed 28250006 (cited by Labcorp Genetics (formerly Invitae), Labcorp); PubMed 24728327 (cited by ITMI).